The following is an entry in ClinVar:

ClinVar aggregate classification (germline): Benign/Likely benign. Review status: criteria provided, multiple submitters, no conflicts (2 of 4 stars). 4 submissions from 4 submitters: Benign (1); Likely benign (3). Last evaluated 2026-07-10.

Conditions:
Rhabdoid tumor predisposition syndrome 2 (RTPS2). Identifiers: Orphanet 231108, Orphanet 69077, MedGen C2750074, MONDO:0013224, OMIM 613325.
Hereditary cancer-predisposing syndrome. Also called: Tumor predisposition; Neoplastic Syndromes, Hereditary; Hereditary Cancer Syndrome; Hereditary neoplastic syndrome. Identifiers: Orphanet 140162, MedGen C0027672, MeSH D009386, MONDO:0015356.

Allele frequency attached by ClinVar (database versions not stated): 1000 Genomes Project 30x 0.00047; gnomAD 0.00002 and 0.00003; ExAC 0.00006; gnomAD exomes 0.00002; TOPMed 0.00002; 1000 Genomes Project 0.00060.
gnomAD v4.1: 22 of 1,613,362 alleles (0.0014%); highest among the groups gnomAD compares: African/African-American, 0.013%; no homozygotes.

Submissions (4):

Myriad Genetics, Inc.
Classification: Benign for Rhabdoid tumor predisposition syndrome 2. Last evaluated: 2026-07-10. Review status: criteria provided, single submitter. Criteria: Myriad Autosomal Dominant, Autosomal Recessive and X-Linked Classification Criteria (2023). Collection method: clinical testing. Allele origin: unknown.
Comment: This variant is considered benign. This variant is a silent/synonymous amino acid change and it is not expected to impact splicing.

Labcorp Genetics (formerly Invitae), Labcorp
Classification: Likely benign for Rhabdoid tumor predisposition syndrome 2. Last evaluated: 2025-12-15. Review status: criteria provided, single submitter. Criteria: Invitae Variant Classification Sherloc (09022015). Collection method: clinical testing. Allele origin: germline.

CeGaT Center for Human Genetics Tuebingen
Classification: Likely benign. Last evaluated: 2025-03-01. Review status: criteria provided, single submitter. Criteria: CeGaT Center For Human Genetics Tuebingen Variant Classification Criteria Version 2. Collection method: clinical testing. Allele origin: germline. Affected: yes. Observed: 1 variant allele.
Comment: SMARCA4: BP4, BP7

Ambry Genetics
Classification: Likely benign for Hereditary cancer-predisposing syndrome. Last evaluated: 2015-07-18. Review status: criteria provided, single submitter. Criteria: Ambry Variant Classification Scheme 2023. Collection method: clinical testing. Allele origin: germline.

NM_003072.5(SMARCA4):c.1338C>T (p.Ser446=)

Gene: SMARCA4 (SWI/SNF related BAF chromatin remodeling complex subunit ATPase 4; plus strand). Cytogenetic location: 19p13.2.
Variant type: single nucleotide variant.
Coding change: c.1338C>T on transcript NM_003072.5 (MANE Select); coding-DNA position 1338, C replaced by T.
Protein change: p.Ser446=; no amino-acid change (serine 446 retained).
Molecular consequence: synonymous variant. On other transcripts: non-coding transcript variant (1).
Genome position (GRCh38, 1-based): chr19:10,991,242, C>T. VCF-style: chr19-10991242-C-T. GRCh37 (hg19) VCF-style: chr19-11101918-C-T.
Other names: c.1338C>T, p.Ser446= (NM_001128845.2, NM_001128846.2, NM_001128847.4 and 5 more transcripts).
Identifiers: ClinVar variation 480566 (VCV000480566.23), dbSNP rs569040381, ClinGen allele CA9203754.